The following is an entry in ClinVar:

ClinVar aggregate classification (germline): Likely pathogenic. Review status: criteria provided, multiple submitters, no conflicts (2 of 4 stars). 3 submissions from 3 submitters: Likely pathogenic (2). 1 of the submissions does not count toward it. Last evaluated 2024-06-03.

Conditions:
Deep venous thrombosis. Also called: Deep vein thrombosis. Identifiers: MedGen C0149871, MeSH D020246, HP:0002625.
Familial visceral amyloidosis, Ostertag type (AMYLD2). Also called: Ostertag type amyloidosis; Familial visceral amyloidosis; Amyloidosis, hepatic and systemic; AMYLOIDOSIS, HEREDITARY SYSTEMIC 2; Hereditary Renal Amyloidosis; AMYLOIDOSIS VIII. Identifiers: Orphanet 85450, MedGen C0268389, MONDO:0007099, OMIM 105200.
Familial dysfibrinogenemia. Also called: Dysfibrinogenemia, congenital. Identifiers: Orphanet 335, Orphanet 98881, MedGen C0272350, MONDO:0014452, OMIM 616004.
Congenital afibrinogenemia. Identifiers: Orphanet 335, Orphanet 98880, MedGen C2584774, MONDO:0008737, OMIM 202400.
FIBRINOGEN DUSART.

Submissions (3):

Fulgent Genetics
Classification: Likely pathogenic for Familial visceral amyloidosis, Ostertag type; Congenital afibrinogenemia; Familial dysfibrinogenemia. Last evaluated: 2024-06-03. Review status: criteria provided, single submitter. Criteria: ACMG Guidelines, 2015. Collection method: clinical testing. Allele origin: germline.

ISTH-SSC Genomics in Thrombosis and Hemostasis, KU Leuven, Center for Molecular and Vascular Biology
Classification: Likely pathogenic for Deep venous thrombosis. Review status: criteria provided, single submitter. Criteria: ACMG Guidelines, 2015. Collection method: clinical testing. Allele origin: unknown. Affected: yes.
Comment: Submitted to GoldVariant by Kathleen Freson, Center for Molecular and Vascular Biology, Leuven, Belgium

OMIM
Classification: other for FIBRINOGEN DUSART. Last evaluated: 2018-11-07. Review status: no assertion criteria provided. Collection method: literature only. Allele origin: germline. Not counted in ClinVar's aggregate classification.

Literature cited by the submitters: PubMed 34355501 (cited by ISTH-SSC Genomics in Thrombosis and Hemostasis, KU Leuven, Center for Molecular and Vascular Biology); PubMed 8473507 (cited by OMIM); PubMed 8636415 (cited by OMIM).

NM_000508.3(FGA):c.1717C>T (p.Arg573Cys)

Gene: FGA (fibrinogen alpha chain; minus strand). Cytogenetic location: 4q31.3.
Variant type: single nucleotide variant.
Coding change: c.1717C>T on transcript NM_000508.3; coding-DNA position 1717, C replaced by T.
Protein change: p.Arg573Cys; replaces arginine 573 with cysteine.
Molecular consequence: missense variant (on NM_021871.4).
Genome position (GRCh38, 1-based): chr4:154,585,712, G>A on the plus strand (C>T on the coding strand, the complement: FGA is on the minus strand). VCF-style: chr4-154585712-G-A. GRCh37 (hg19) VCF-style: chr4-155506864-G-A.
Other names: R554C; FIBRINOGEN PARIS 5; c.1717C>T, p.Arg573Cys (LRG_557t1, NM_000508.5, NM_021871.4); short protein forms R573C.
Identifiers: ClinVar variation 16411 (VCV000016411.5), dbSNP rs121909613, ClinGen allele CA126498.